The following is an entry in ClinVar:

ClinVar aggregate classification (germline): Conflicting classifications of pathogenicity. Review status: criteria provided, conflicting classifications (1 of 4 stars). 4 submissions from 4 submitters: Uncertain significance (2); Likely benign (2). Last evaluated 2026-01-27.

Conditions:
Cardiovascular phenotype. Identifiers: MedGen CN230736.
Long QT syndrome (LQTS). Identifiers: MedGen C0023976, MeSH D008133, MONDO:0002442. Disease mechanism: loss of function. Inheritance: Various modes of inheritance.

Allele frequency attached by ClinVar (database versions not stated): gnomAD exomes below 0.00001 and 0.00002; ExAC 0.00003; TOPMed 0.00007; ESP Exome Variant Server 0.00008; gnomAD 0.00008 and 0.00009.
gnomAD v4.1: 15 of 1,613,480 alleles (0.00093%); highest among the groups gnomAD compares: African/African-American, 0.015%; no homozygotes.

Submissions (4):

GeneDx
Classification: Uncertain significance. Last evaluated: 2026-01-27. Review status: criteria provided, single submitter. Criteria: GeneDx Variant Classification Process June 2021. Collection method: clinical testing. Allele origin: germline. Affected: yes.
Comment: Has not been previously published as pathogenic or benign to our knowledge; In silico analysis is inconclusive as to whether the variant alters gene splicing. In the absence of RNA/functional studies, the actual effect of this sequence change is unknown.

Labcorp Genetics (formerly Invitae), Labcorp
Classification: Likely benign for Long QT syndrome. Last evaluated: 2025-11-08. Review status: criteria provided, single submitter. Criteria: Invitae Variant Classification Sherloc (09022015). Collection method: clinical testing. Allele origin: germline.

Ambry Genetics
Classification: Likely benign for Cardiovascular phenotype. Last evaluated: 2019-12-07. Review status: criteria provided, single submitter. Criteria: Ambry Variant Classification Scheme 2023. Collection method: clinical testing. Allele origin: germline.

Eurofins Ntd Llc (ga)
Classification: Uncertain significance. Last evaluated: 2017-10-03. Review status: criteria provided, single submitter. Criteria: EGL Classification Definitions 2015. Collection method: clinical testing. Allele origin: germline. Observed: 1 variant allele, 1 heterozygote.

NM_000719.7(CACNA1C):c.927A>G (p.Ala309=)

Gene: CACNA1C (calcium voltage-gated channel subunit alpha1 C; plus strand). Cytogenetic location: 12p13.33.
Variant type: single nucleotide variant.
Coding change: c.927A>G on transcript NM_000719.7 (MANE Select); coding-DNA position 927, A replaced by G.
Protein change: p.Ala309=; no amino-acid change (alanine 309 retained).
Molecular consequence: synonymous variant.
Genome position (GRCh38, 1-based): chr12:2,493,200, A>G. VCF-style: chr12-2493200-A-G. GRCh37 (hg19) VCF-style: chr12-2602366-A-G.
Other names: c.927A>G, p.Ala309= (NM_001129827.2, NM_001129829.2, NM_001129830.3 and 18 more transcripts); c.918A>G, p.Ala306= (NM_001129844.2).
Identifiers: ClinVar variation 416869 (VCV000416869.23), dbSNP rs369079645, ClinGen allele CA6388576.